The following is an entry in ClinVar:

NM_182895.5(SCARF2):c.1822A>T (p.Ser608Cys)

Gene: SCARF2 (scavenger receptor class F member 2; minus strand). Cytogenetic location: 22q11.21.
Variant type: single nucleotide variant.
Coding change: c.1822A>T on transcript NM_182895.5 (MANE Select); coding-DNA position 1822, A replaced by T.
Protein change: p.Ser608Cys; replaces serine 608 with cysteine.
Molecular consequence: missense variant.
Genome position (GRCh38, 1-based): chr22:20,426,154, T>A on the plus strand (A>T on the coding strand, the complement: SCARF2 is on the minus strand). VCF-style: chr22-20426154-T-A. GRCh37 (hg19) VCF-style: chr22-20780441-T-A.
Other names: c.1837A>T, p.Ser613Cys (NM_153334.7); short protein forms S613C, S608C.
Identifiers: ClinVar variation 1029234 (VCV001029234.1), dbSNP rs900419088, ClinGen allele CA322182742.

ClinVar aggregate classification (germline): Uncertain significance (1 of 4 stars; one submission).

Conditions:
Van den Ende-Gupta syndrome (VDEGS). Also called: BLEPHAROPHIMOSIS, ARACHNODACTYLY, AND CONGENITAL CONTRACTURES. Identifiers: Orphanet 2460, MedGen C1833136, MONDO:0010959, OMIM 600920.

Allele frequency attached by ClinVar (database versions not stated): gnomAD 0.00001; TOPMed 0.00002.
gnomAD v4.1: 1 of 1,477,754 alleles (0.000068%); highest among the groups gnomAD compares: African/African-American, 0.0014%; no homozygotes.

Submission:

Baylor Genetics
Classification: Uncertain significance for Van den Ende-Gupta syndrome. Last evaluated: 2019-12-03. Review status: criteria provided, single submitter. Criteria: ACMG Guidelines, 2015. Collection method: clinical testing. Allele origin: unknown. Affected: yes.
Comment: This variant was determined to be of uncertain significance according to ACMG Guidelines, 2015 [PMID:25741868].